The following is an entry in ClinVar:

NM_000256.3(MYBPC3):c.3412C>T (p.Arg1138Cys)

Gene: MYBPC3 (myosin binding protein C3; minus strand). Cytogenetic location: 11p11.2.
Variant type: single nucleotide variant.
Coding change: c.3412C>T on transcript NM_000256.3 (MANE Select); coding-DNA position 3412, C replaced by T.
Protein change: p.Arg1138Cys; replaces arginine 1138 with cysteine.
Molecular consequence: missense variant.
Genome position (GRCh38, 1-based): chr11:47,332,892, G>A on the plus strand (C>T on the coding strand, the complement: MYBPC3 is on the minus strand). VCF-style: chr11-47332892-G-A. GRCh37 (hg19) VCF-style: chr11-47354443-G-A.
Other names: p.R1138C:CGC>TGC; c.3412C>T, p.Arg1138Cys (LRG_386t1); short protein forms R1138C.
Identifiers: ClinVar variation 161307 (VCV000161307.31), dbSNP rs377171707, ClinGen allele CA014112.

ClinVar aggregate classification (germline): Uncertain significance. Review status: criteria provided, multiple submitters, no conflicts (2 of 4 stars). 10 submissions from 10 submitters: Uncertain significance (9). 1 of the submissions does not count toward it. Last evaluated 2026-04-24.

Conditions:
Cardiovascular phenotype. Identifiers: MedGen CN230736.
MYBPC3-related disorder. Also called: MYBPC3-related disorders; MYBPC3-related condition; MYBPC3-related disease.
Hypertrophic cardiomyopathy 4. Also called: Familial hypertrophic cardiomyopathy 4. Identifiers: MedGen C1861862, MONDO:0007268, OMIM 115197.
Left ventricular noncompaction 10 (LVNC10). Identifiers: Orphanet 154, Orphanet 54260, MedGen C3715165, MONDO:0014163, OMIM 615396.
Cardiomyopathy (CMYO). Also called: Cardiomyopathies. Identifiers: Orphanet 167848, MedGen C0878544, MONDO:0004994, HP:0001638. Inheritance: Various modes of inheritance.
Primary familial hypertrophic cardiomyopathy (HCM). Identifiers: Orphanet 99739, MedGen C0949658, MeSH D024741, MONDO:0024573. Inheritance: Various modes of inheritance.
Hypertrophic cardiomyopathy. Also called: HYPERTROPHIC MYOCARDIOPATHY. Identifiers: Orphanet 217569, MedGen C0007194, MeSH D002312, MONDO:0005045, HP:0001639.

Allele frequency attached by ClinVar (database versions not stated): ExAC 0.00004; gnomAD exomes 0.00004; TOPMed 0.00008; gnomAD 0.00009; ESP Exome Variant Server 0.00016.
gnomAD v4.1: 38 of 1,608,068 alleles (0.0024%); highest among the groups gnomAD compares: East Asian, 0.029%; no homozygotes.

Submissions (10):

PreventionGenetics, part of Exact Sciences
Classification: Uncertain significance for MYBPC3-related condition. Last evaluated: 2026-04-24. Review status: criteria provided, single submitter. Criteria: ACMG Guidelines, 2015. Collection method: clinical testing. Allele origin: germline.
Comment: The MYBPC3 c.3412C>T variant is predicted to result in the amino acid substitution p.Arg1138Cys. This variant was reported in individuals with hypertrophic cardiomyopathy (Kassem et al. 2013. PubMed ID: 23233322; Nakashima et al. 2020. PubMed ID: 32830170; Table S2, Hata et al. 2019. PubMed ID: 30959811). This variant is reported in 0.018% of alleles in individuals of African descent in gnomAD. At this time, the clinical significance of this variant is uncertain due to the absence of conclusive functional and genetic evidence.

Labcorp Genetics (formerly Invitae), Labcorp
Classification: Uncertain significance for Hypertrophic cardiomyopathy. Last evaluated: 2026-01-12. Review status: criteria provided, single submitter. Criteria: Invitae Variant Classification Sherloc (09022015). Collection method: clinical testing. Allele origin: germline.
Comment: This sequence change replaces arginine, which is basic and polar, with cysteine, which is neutral and slightly polar, at codon 1138 of the MYBPC3 protein (p.Arg1138Cys). This variant is present in population databases (rs377171707, gnomAD 0.02%). This missense change has been observed in individual(s) with hypertrophic cardiomyopathy (PMID: 23233322, 30959811, 32830170). ClinVar contains an entry for this variant (Variation ID: 161307). An algorithm developed to predict the effect of missense changes on protein structure and function (PolyPhen-2) suggests that this variant is likely to be disruptive. In summary, the available evidence is currently insufficient to determine the role of this variant in disease. Therefore, it has been classified as a Variant of Uncertain Significance.

Color Diagnostics, LLC DBA Color Health
Classification: Uncertain significance for Cardiomyopathy. Last evaluated: 2025-12-18. Review status: criteria provided, single submitter. Criteria: ACMG Guidelines, 2015. Collection method: clinical testing. Allele origin: germline.
Comment: This missense variant replaces arginine with cysteine at codon 1138 of the MYBPC3 protein. Computational prediction suggests that this variant may have deleterious impact on protein structure and function. To our knowledge, functional studies have not been reported for this variant. This variant has been reported in individuals affected with hypertrophic cardiomyopathy (PMID: 23233322, 32830170) and in an individual affected with myocardial disarray (PMID: 30959811). This variant has been identified in 38/1608068 chromosomes in the general population by the Genome Aggregation Database (gnomAD). The available evidence is insufficient to determine the role of this variant in disease conclusively. Therefore, this variant is classified as a Variant of Uncertain Significance.

GeneDx
Classification: Uncertain significance. Last evaluated: 2025-08-22. Review status: criteria provided, single submitter. Criteria: GeneDx Variant Classification Process June 2021. Collection method: clinical testing. Allele origin: germline. Affected: yes.
Comment: Reported in individuals with HCM referred for genetic testing at GeneDx and in published literature, many of whom harbor additional variants in cardiac disease-related genes (PMID: 23233322, 30959811, 32830170, 33487615); In silico analysis supports that this missense variant has a deleterious effect on protein structure/function; This variant is associated with the following publications: (PMID: 25637381, 32830170, 33487615, 30959811, 25524337, 23233322, 37653714)

Ambry Genetics
Classification: Uncertain significance for Cardiovascular phenotype. Last evaluated: 2025-08-19. Review status: criteria provided, single submitter. Criteria: Ambry Variant Classification Scheme 2023. Collection method: clinical testing. Allele origin: germline.
Comment: The p.R1138C variant (also known as c.3412C>T), located in coding exon 31 of the MYBPC3 gene, results from a C to T substitution at nucleotide position 3412. The arginine at codon 1138 is replaced by cysteine, an amino acid with highly dissimilar properties. This alteration has been reported in hypertrophic cardiomyopathy (HCM) cohorts; however, clinical details were limited (Kassem H et al. J Cardiovasc Transl Res, 2013 Feb;6:65-80; Nakashima Y et al. Circ J, 2020 Sep;84:1846-1853). This amino acid position is highly conserved in available vertebrate species. In addition, this alteration is predicted to be deleterious by in silico analysis. Based on the available evidence, the clinical significance of this variant remains unclear.

3billion
Classification: Uncertain significance for Hypertrophic cardiomyopathy 4. Last evaluated: 2025-04-11. Review status: criteria provided, single submitter. Criteria: ACMG Guidelines, 2015. Collection method: clinical testing. Allele origin: germline. Affected: yes.

All of Us Research Program, National Institutes of Health
Classification: Uncertain significance for Hypertrophic cardiomyopathy. Last evaluated: 2024-06-11. Review status: criteria provided, single submitter. Criteria: ACMG Guidelines, 2015. Collection method: clinical testing. Allele origin: germline. Inheritance: Autosomal dominant inheritance. Observed: 6 variant alleles, 6 heterozygotes.
Comment: This missense variant replaces arginine with cysteine at codon 1138 of the MYBPC3 protein. Computational prediction suggests that this variant may have a deleterious impact on protein structure and function (internally defined REVEL score threshold >= 0.7, PMID: 27666373). To our knowledge, functional studies have not been reported for this variant. This variant has been reported in individuals affected with hypertrophic cardiomyopathy (PMID: 23233322, 32830170) and in an individual affected with myocardial disarray (PMID: 30959811). This variant has been identified in 11/268516 chromosomes in the general population by the Genome Aggregation Database (gnomAD). The available evidence is insufficient to determine the role of this variant in disease conclusively. Therefore, this variant is classified as a Variant of Uncertain Significance.

This study involves interpretation of variants in research participants for the purpose of population health screening. Participant phenotype was not available at the time of variant classification. Additional details can be found in publication PMID: 35346344, PMCID: PMC8962531

Fulgent Genetics
Classification: Uncertain significance for Hypertrophic cardiomyopathy 4; Left ventricular noncompaction 10. Last evaluated: 2021-09-10. Review status: criteria provided, single submitter. Criteria: ACMG Guidelines, 2015. Collection method: clinical testing. Allele origin: unknown.

Revvity Omics, Revvity
Classification: Uncertain significance. Last evaluated: 2020-12-18. Review status: criteria provided, single submitter. Criteria: ACMG Guidelines, 2015. Collection method: clinical testing. Allele origin: germline.

CSER _CC_NCGL, University of Washington
Classification: Uncertain significance for Cardiomyopathy, hypertrophic. Last evaluated: 2014-06-01. Review status: no assertion criteria provided. Collection method: research. Allele origin: germline. Inheritance: Autosomal dominant inheritance. Study: ESP 6500 variant annotation. Not counted in ClinVar's aggregate classification.
Comment: Variants classified for the Actionable exomic incidental findings in 6503 participants: challenges of variant classification manuscript

Literature cited by the submitters: PubMed 23233322 (cited by 5 submitters); PubMed 30959811 (cited by 4 submitters); PubMed 32830170 (cited by 4 submitters); PubMed 25524337 (cited by Ambry Genetics and 3billion); PubMed 25637381 (cited by Ambry Genetics).